The following is an entry in ClinVar:

ClinVar aggregate classification (germline): Uncertain significance (1 of 4 stars; one submission).

Conditions:
Hypertrophic cardiomyopathy. Also called: HYPERTROPHIC MYOCARDIOPATHY. Identifiers: Orphanet 217569, MedGen C0007194, MeSH D002312, MONDO:0005045, HP:0001639.

Submission:

Labcorp Genetics (formerly Invitae), Labcorp
Classification: Uncertain significance for Hypertrophic cardiomyopathy. Last evaluated: 2022-07-12. Review status: criteria provided, single submitter. Criteria: Invitae Variant Classification Sherloc (09022015). Collection method: clinical testing. Allele origin: germline.
Comment: A gross deletion of the genomic region encompassing the full coding sequence of the JPH2 gene has been identified. The current clinical and genetic evidence is not sufficient to establish whether loss-of-function variants in JPH2 cause disease. The boundaries of this event are unknown as they extend beyond the assayed region for this gene and therefore may encompass additional genes. This variant has not been reported in the literature in individuals affected with JPH2-related conditions. In summary, the available evidence is currently insufficient to determine the role of this variant in disease. Therefore, it has been classified as a Variant of Uncertain Significance.

NC_000020.11:g.(?_44114776)_(44186725_?)del

Genes: JPH2 (junctophilin 2; minus strand), LOC108353820 (JPH2 intron CAGE-defined T cell enhancer; plus strand), LOC121853007 (Sharpr-MPRA regulatory region 3924; plus strand). Cytogenetic location: 20q13.12.
Variant type: Deletion.
Identifiers: ClinVar variation 525133 (VCV000525133.7).